The following is an entry in ClinVar:

ClinVar aggregate classification (germline): Benign/Likely benign. Review status: criteria provided, multiple submitters, no conflicts (2 of 4 stars). 3 submissions from 3 submitters: Benign (1); Likely benign (2). Last evaluated 2025-10-27.

Conditions:
Pheochromocytoma/paraganglioma syndrome 4. Also called: SDHB-Related Hereditary Paraganglioma-Pheochromocytoma Syndrome (Paragangliomas 4); SDHB-Related Hereditary Paraganglioma-Pheochromocytoma Syndrome; Paragangliomas 4; CAROTID BODY TUMORS AND MULTIPLE EXTRAADRENAL PHEOCHROMOCYTOMAS; PARAGANGLIOMA, FAMILIAL MALIGNANT; PARAGANGLIOMAS, HEREDITARY EXTRAADRENAL. Identifiers: Orphanet 29072, MedGen C1861848, MONDO:0007273, OMIM 115310.
Gastrointestinal stromal tumor. Also called: Gastrointestinal stromal tumor, somatic; Gastrointestinal stroma tumor. Identifiers: Orphanet 44890, MedGen C0238198, MeSH D046152, MONDO:0011719, OMIM 606764, HP:0100723.
Pheochromocytoma. Also called: MAX-Related Hereditary Paraganglioma-Pheochromocytoma Syndrome. Identifiers: Orphanet 29072, MedGen C0031511, MONDO:0008233, OMIM 171300, HP:0002666.
Hereditary cancer-predisposing syndrome. Also called: Neoplastic Syndromes, Hereditary; Hereditary Cancer Syndrome; Hereditary neoplastic syndrome; Tumor predisposition. Identifiers: Orphanet 140162, MedGen C0027672, MeSH D009386, MONDO:0015356.

Allele frequency attached by ClinVar (database versions not stated): gnomAD exomes below 0.00001.
gnomAD v4.1: 1 of 1,613,070 alleles (0.000062%); highest among the groups gnomAD compares: African/African-American, 0.0013%; no homozygotes.

Submissions (3):

Labcorp Genetics (formerly Invitae), Labcorp
Classification: Likely benign for Gastrointestinal stromal tumor; Pheochromocytoma/paraganglioma syndrome 4; Pheochromocytoma. Last evaluated: 2025-10-27. Review status: criteria provided, single submitter. Criteria: Invitae Variant Classification Sherloc (09022015). Collection method: clinical testing. Allele origin: germline.

Myriad Genetics, Inc.
Classification: Benign for Pheochromocytoma/paraganglioma syndrome 4. Last evaluated: 2025-03-12. Review status: criteria provided, single submitter. Criteria: Myriad Autosomal Dominant, Autosomal Recessive and X-Linked Classification Criteria (2023). Collection method: clinical testing. Allele origin: unknown.
Comment: This variant is considered benign. This variant is a silent/synonymous amino acid change and it is not expected to impact splicing.

Ambry Genetics
Classification: Likely benign for Hereditary cancer-predisposing syndrome. Last evaluated: 2020-03-16. Review status: criteria provided, single submitter. Criteria: Ambry Variant Classification Scheme 2023. Collection method: clinical testing. Allele origin: germline.

NM_003000.3(SDHB):c.39G>A (p.Leu13=)

Gene: SDHB (succinate dehydrogenase complex iron sulfur subunit B; minus strand). Cytogenetic location: 1p36.13.
Variant type: single nucleotide variant.
Coding change: c.39G>A on transcript NM_003000.3 (MANE Select); coding-DNA position 39, G replaced by A.
Protein change: p.Leu13=; no amino-acid change (leucine 13 retained).
Molecular consequence: synonymous variant.
Genome position (GRCh38, 1-based): chr1:17,053,981, C>T on the plus strand (G>A on the coding strand, the complement: SDHB is on the minus strand). VCF-style: chr1-17053981-C-T. GRCh37 (hg19) VCF-style: chr1-17380476-C-T.
Identifiers: ClinVar variation 764474 (VCV000764474.10), dbSNP rs201745731, ClinGen allele CA18612430.